The following is an entry in ClinVar:

NM_020458.4(TTC7A):c.2440G>A (p.Glu814Lys)

Gene: TTC7A (tetratricopeptide repeat domain 7A; plus strand). Cytogenetic location: 2p21.
Variant type: single nucleotide variant.
Coding change: c.2440G>A on transcript NM_020458.4 (MANE Select); coding-DNA position 2440, G replaced by A.
Protein change: p.Glu814Lys; replaces glutamic acid 814 with lysine.
Molecular consequence: missense variant.
Genome position (GRCh38, 1-based): chr2:47,073,786, G>A. VCF-style: chr2-47073786-G-A. GRCh37 (hg19) VCF-style: chr2-47300925-G-A.
Other names: c.2512G>A, p.Glu838Lys (NM_001288951.2); c.2338G>A, p.Glu780Lys (NM_001288953.2); c.1378G>A, p.Glu460Lys (NM_001288955.2); short protein forms E460K, E780K, E814K, E838K.
Identifiers: ClinVar variation 955418 (VCV000955418.9), dbSNP rs766107839, ClinGen allele CA1648162.

ClinVar aggregate classification (germline): Uncertain significance (1 of 4 stars; one submission).

Conditions:
Multiple gastrointestinal atresias. Also called: FAMILIAL INTESTINAL POLYATRESIA SYNDROME; Multiple intestinal atresia. Identifiers: Orphanet 2300, MedGen C0220744, MONDO:0009465.

Allele frequency attached by ClinVar (database versions not stated): TOPMed 0.00010; gnomAD 0.00011.
gnomAD v4.1: 39 of 1,613,696 alleles (0.0024%); highest among the groups gnomAD compares: Admixed American, 0.045%; no homozygotes.

Submission:

Labcorp Genetics (formerly Invitae), Labcorp
Classification: Uncertain significance for Multiple gastrointestinal atresias. Last evaluated: 2022-08-09. Review status: criteria provided, single submitter. Criteria: Invitae Variant Classification Sherloc (09022015). Collection method: clinical testing. Allele origin: germline.
Comment: In summary, the available evidence is currently insufficient to determine the role of this variant in disease. Therefore, it has been classified as a Variant of Uncertain Significance. Algorithms developed to predict the effect of missense changes on protein structure and function (SIFT, PolyPhen-2, Align-GVGD) all suggest that this variant is likely to be tolerated. ClinVar contains an entry for this variant (Variation ID: 955418). This variant has not been reported in the literature in individuals affected with TTC7A-related conditions. This variant is present in population databases (rs766107839, gnomAD 0.03%). This sequence change replaces glutamic acid, which is acidic and polar, with lysine, which is basic and polar, at codon 814 of the TTC7A protein (p.Glu814Lys).